The following is an entry in ClinVar:

NM_024417.5(FDXR):c.178-78T>C

Gene: FDXR (ferredoxin reductase; minus strand). Cytogenetic location: 17q25.1.
Variant type: single nucleotide variant.
Coding change: c.178-78T>C on transcript NM_024417.5 (MANE Select); 78 bases into the intron before coding-DNA position 178, T replaced by C.
Molecular consequence: intron variant. On other transcripts: missense variant (1).
Genome position (GRCh38, 1-based): chr17:74,866,954, A>G on the plus strand (T>C on the coding strand, the complement: FDXR is on the minus strand). VCF-style: chr17-74866954-A-G. GRCh37 (hg19) VCF-style: chr17-72863076-A-G.
Other names: c.229T>C, p.Ser77Pro (NM_001258012.4); c.178-78T>C (NM_001258014.4, NM_004110.6); c.178-75T>C (NM_001258015.3); c.271-78T>C (NM_001258013.4); c.22-78T>C (NM_001258016.3); short protein forms S77P.
Identifiers: ClinVar variation 3348235 (VCV003348235.1).

ClinVar aggregate classification (germline): Uncertain significance (0 of 4 stars; one submission).

Conditions:
FDXR-related disorder. Also called: FDXR-related disorders; FDXR-related condition.

gnomAD v4.1: 23 of 1,563,834 alleles (0.0015%); highest among the groups gnomAD compares: South Asian, 0.007%; no homozygotes.

Submission:

PreventionGenetics, part of Exact Sciences
Classification: Uncertain significance for FDXR-related condition. Last evaluated: 2024-07-26. Review status: no assertion criteria provided. Collection method: clinical testing. Allele origin: germline.
Comment: The FDXR c.229T>C variant is predicted to result in the amino acid substitution p.Ser77Pro. To our knowledge, this variant has not been reported in the literature. This variant is reported in 0.0084% of alleles in individuals of South Asian descent in gnomAD. At this time, the clinical significance of this variant is uncertain due to the absence of conclusive functional and genetic evidence.